The following is an entry in ClinVar:

ClinVar aggregate classification (germline): Uncertain significance. Review status: criteria provided, multiple submitters, no conflicts (2 of 4 stars). 2 submissions from 2 submitters: Uncertain significance (2). Last evaluated 2025-11-10.

Conditions:
Adams-Oliver syndrome 5 (AOS5). Identifiers: Orphanet 974, MedGen C4014970, MONDO:0014459, OMIM 616028.
Familial thoracic aortic aneurysm and aortic dissection (TAAD). Also called: Thoracic aortic aneurysms and dissections. Identifiers: Orphanet 91387, MedGen C4707243, MONDO:0019625.

Allele frequency attached by ClinVar (database versions not stated): gnomAD exomes below 0.00001; gnomAD 0.00001; TOPMed 0.00001.
gnomAD v4.1: 4 of 1,592,322 alleles (0.00025%); highest among the groups gnomAD compares: African/African-American, 0.004%; no homozygotes.

Submissions (2):

Labcorp Genetics (formerly Invitae), Labcorp
Classification: Uncertain significance for Adams-Oliver syndrome 5. Last evaluated: 2025-11-10. Review status: criteria provided, single submitter. Criteria: Invitae Variant Classification Sherloc (09022015). Collection method: clinical testing. Allele origin: germline.
Comment: This sequence change replaces alanine, which is neutral and non-polar, with serine, which is neutral and polar, at codon 729 of the NOTCH1 protein (p.Ala729Ser). This variant is not present in population databases (gnomAD no frequency). This variant has not been reported in the literature in individuals affected with NOTCH1-related conditions. ClinVar contains an entry for this variant (Variation ID: 1787330). Invitae Evidence Modeling of protein sequence and biophysical properties (such as structural, functional, and spatial information, amino acid conservation, physicochemical variation, residue mobility, and thermodynamic stability) indicates that this missense variant is not expected to disrupt NOTCH1 protein function with a negative predictive value of 80%. In summary, the available evidence is currently insufficient to determine the role of this variant in disease. Therefore, it has been classified as a Variant of Uncertain Significance.

Ambry Genetics
Classification: Uncertain significance for Familial thoracic aortic aneurysm and aortic dissection. Last evaluated: 2022-08-16. Review status: criteria provided, single submitter. Criteria: Ambry Variant Classification Scheme 2023. Collection method: clinical testing. Allele origin: germline.
Comment: The p.A729S variant (also known as c.2185G>T), located in coding exon 13 of the NOTCH1 gene, results from a G to T substitution at nucleotide position 2185. The alanine at codon 729 is replaced by serine, an amino acid with similar properties. This amino acid position is conserved. In addition, this alteration is predicted to be tolerated by in silico analysis. Since supporting evidence is limited at this time, the clinical significance of this alteration remains unclear.

NM_017617.5(NOTCH1):c.2185G>T (p.Ala729Ser)

Gene: NOTCH1 (notch receptor 1; minus strand). Cytogenetic location: 9q34.3.
Variant type: single nucleotide variant.
Coding change: c.2185G>T on transcript NM_017617.5 (MANE Select); coding-DNA position 2185, G replaced by T.
Protein change: p.Ala729Ser; replaces alanine 729 with serine.
Molecular consequence: missense variant.
Genome position (GRCh38, 1-based): chr9:136,514,532, C>A on the plus strand (G>T on the coding strand, the complement: NOTCH1 is on the minus strand). VCF-style: chr9-136514532-C-A. GRCh37 (hg19) VCF-style: chr9-139408984-C-A.
Other names: short protein forms A729S.
Identifiers: ClinVar variation 1787330 (VCV001787330.5), dbSNP rs1400821402, ClinGen allele CA375558551.